The following is an entry in ClinVar:

NM_014141.6(CNTNAP2):c.917A>G (p.Asp306Gly)

Gene: CNTNAP2 (contactin associated protein 2; plus strand). Cytogenetic location: 7q35.
Variant type: single nucleotide variant.
Coding change: c.917A>G on transcript NM_014141.6 (MANE Select); coding-DNA position 917, A replaced by G.
Protein change: p.Asp306Gly; replaces aspartic acid 306 with glycine.
Molecular consequence: missense variant.
Genome position (GRCh38, 1-based): chr7:147,121,141, A>G. VCF-style: chr7-147121141-A-G. GRCh37 (hg19) VCF-style: chr7-146818233-A-G.
Other names: short protein forms D306G.
Identifiers: ClinVar variation 4976372 (VCV004976372.1).

ClinVar aggregate classification (germline): Uncertain significance (1 of 4 stars; one submission).

gnomAD v4.1: 6 of 1,614,150 alleles (0.00037%); highest among the groups gnomAD compares: Admixed American, 0.01%; no homozygotes.

Submission:

GeneDx
Classification: Uncertain significance. Last evaluated: 2026-02-06. Review status: criteria provided, single submitter. Criteria: GeneDx Variant Classification Process June 2021. Collection method: clinical testing. Allele origin: germline.
Comment: In silico analysis supports that this missense variant has a deleterious effect on protein structure/function; Has not been previously published as pathogenic or benign to our knowledge